The following is an entry in ClinVar:

ClinVar aggregate classification (germline): Likely pathogenic (1 of 4 stars; one submission).

Conditions:
Neurofibromatosis, type 1 (NF1). Also called: VON RECKLINGHAUSEN DISEASE; Peripheral type neurofibromatosis; NEUROFIBROMATOSIS, TYPE I, SOMATIC; Neurofibromatosis, type I. Identifiers: Orphanet 636, MedGen C0027831, MONDO:0018975, OMIM 162200. Disease mechanism: loss of function.

Submission:

Department of Genetics, Sultan Qaboos University Hospital
Classification: Likely pathogenic for Neurofibromatosis, type 1. Last evaluated: 2026-04-01. Review status: criteria provided, single submitter. Criteria: ACMG Guidelines, 2015. Collection method: clinical testing. Allele origin: germline. Affected: yes. Observed: 1 variant allele.
Comment: PVS1

NM_001042492.3(NF1):c.6349_6367del (p.Ser2117fs)

Gene: NF1 (neurofibromin 1; plus strand). Cytogenetic location: 17q11.2.
Variant type: Deletion.
Coding change: c.6349_6367del on transcript NM_001042492.3 (MANE Select); coding-DNA positions 6349 to 6367, 19 bases deleted (TCCCTTAGAGCTTCCACAC).
Protein change: p.Ser2117fs; shifts the reading frame from serine 2117.
Molecular consequence: frameshift variant.
Genome position (GRCh38, 1-based): chr17:31,336,836-31,336,854, TCCCTTAGAGCTTCCACAC deleted; deleting any 19 consecutive bases within chr17:31,336,835-31,336,854 gives the same sequence; the c. name uses the placement nearest the transcript's 3' end. VCF-style (leftmost placement, unchanged base first): chr17-31336834-TCTCCCTTAGAGCTTCCACA-T. GRCh37 (hg19) VCF-style: chr17-29663852-TCTCCCTTAGAGCTTCCACA-T.
Other names: c.6286_6304del, p.Ser2096fs (NM_000267.4); short protein forms S2096fs, S2117fs.
Identifiers: ClinVar variation 4823926 (VCV004823926.1).